The following is an entry in ClinVar:

NM_004946.3(DOCK2):c.1677G>C (p.Met559Ile)

Gene: DOCK2 (dedicator of cytokinesis 2; plus strand). Cytogenetic location: 5q35.1.
Variant type: single nucleotide variant.
Coding change: c.1677G>C on transcript NM_004946.3 (MANE Select); coding-DNA position 1677, G replaced by C.
Protein change: p.Met559Ile; replaces methionine 559 with isoleucine.
Molecular consequence: missense variant. On other transcripts: non-coding transcript variant (1).
Genome position (GRCh38, 1-based): chr5:169,714,045, G>C. VCF-style: chr5-169714045-G-C. GRCh37 (hg19) VCF-style: chr5-169141049-G-C.
Other names: short protein forms M559I.
Identifiers: ClinVar variation 2048146 (VCV002048146.4), dbSNP rs2532624608, ClinGen allele CA362107692.

ClinVar aggregate classification (germline): Uncertain significance (1 of 4 stars; one submission).

Conditions:
DOCK2 deficiency. Also called: Immunodeficiency 40. Identifiers: Orphanet 447737, MedGen C4225328, MONDO:0014637, OMIM 616433.

gnomAD v4.1: 11 of 1,603,062 alleles (0.00069%); 1 homozygote.

Submission:

Labcorp Genetics (formerly Invitae), Labcorp
Classification: Uncertain significance for DOCK2 deficiency. Last evaluated: 2023-11-28. Review status: criteria provided, single submitter. Criteria: Invitae Variant Classification Sherloc (09022015). Collection method: clinical testing. Allele origin: germline.
Comment: This sequence change replaces methionine, which is neutral and non-polar, with isoleucine, which is neutral and non-polar, at codon 559 of the DOCK2 protein (p.Met559Ile). This variant is not present in population databases (gnomAD no frequency). This variant has not been reported in the literature in individuals affected with DOCK2-related conditions. ClinVar contains an entry for this variant (Variation ID: 2048146). An algorithm developed to predict the effect of missense changes on protein structure and function (PolyPhen-2) suggests that this variant is likely to be tolerated. In summary, the available evidence is currently insufficient to determine the role of this variant in disease. Therefore, it has been classified as a Variant of Uncertain Significance.